The following is an entry in ClinVar:

NM_001374675.1(HSF4):c.259G>A (p.Glu87Lys)

Gene: HSF4 (heat shock transcription factor 4; plus strand). Cytogenetic location: 16q22.1.
Variant type: single nucleotide variant.
Coding change: c.259G>A on transcript NM_001374675.1 (MANE Select); coding-DNA position 259, G replaced by A.
Protein change: p.Glu87Lys; replaces glutamic acid 87 with lysine.
Molecular consequence: missense variant.
Genome position (GRCh38, 1-based): chr16:67,165,745, G>A. VCF-style: chr16-67165745-G-A. GRCh37 (hg19) VCF-style: chr16-67199648-G-A.
Other names: c.259G>A, p.Glu87Lys (NM_001040667.3, NM_001374674.1, NM_001538.4); short protein forms E87K.
Identifiers: ClinVar variation 320179 (VCV000320179.11), dbSNP rs367654370, ClinGen allele CA8101769.
Genomic context (GRCh38, chr16:67,165,745, plus strand): 5'-GGGGCGACCCACGCCCCCACGCCCCACTCCCCAGACGGTTTTCGGAAGGTGGTGAGCATC[G>A]AGCAGGGCGGCCTGCTTAGGCCGGAGCGCGACCACGTCGAGTTCCAGCACCCGAGCTTCG-3'
Protein context (NP_001361604.1, residues 77-97): MYGFRKVVSI[Glu87Lys]QGGLLRPERD

ClinVar aggregate classification (germline): Conflicting classifications of pathogenicity. Review status: criteria provided, conflicting classifications (1 of 4 stars). 3 submissions from 3 submitters: Uncertain significance (2); Benign (1). Last evaluated 2025-08-28.

Conditions:
Inborn genetic diseases. Identifiers: MedGen C0950123, MeSH D030342.
Cataract 5 multiple types (CTRCT5). Also called: CATARACT, MARNER TYPE; CATARACT 5, LAMELLAR; Lamellar cataract. Identifiers: Orphanet 91492, MedGen C0266537, MONDO:0007290, OMIM 116800, HP:0007971.

Allele frequency attached by ClinVar (database versions not stated): TOPMed 0.00006; gnomAD 0.00007; gnomAD exomes 0.00009; ExAC 0.00011; ESP Exome Variant Server 0.00033.
gnomAD v4.1: 241 of 1,611,526 alleles (0.015%); highest among the groups gnomAD compares: Non-Finnish European, 0.02%; no homozygotes.

Submissions (3):

Ambry Genetics
Classification: Uncertain significance for Inborn genetic diseases. Last evaluated: 2025-08-28. Review status: criteria provided, single submitter. Criteria: Ambry Variant Classification Scheme 2023. Collection method: clinical testing. Allele origin: germline.

Labcorp Genetics (formerly Invitae), Labcorp
Classification: Uncertain significance for Cataract 5 multiple types. Last evaluated: 2022-01-10. Review status: criteria provided, single submitter. Criteria: Invitae Variant Classification Sherloc (09022015). Collection method: clinical testing. Allele origin: germline.
Comment: This sequence change replaces glutamic acid, which is acidic and polar, with lysine, which is basic and polar, at codon 87 of the HSF4 protein (p.Glu87Lys). This variant is present in population databases (rs367654370, gnomAD 0.02%). This variant has not been reported in the literature in individuals affected with HSF4-related conditions. ClinVar contains an entry for this variant (Variation ID: 320179). Algorithms developed to predict the effect of missense changes on protein structure and function are either unavailable or do not agree on the potential impact of this missense change (SIFT: "Tolerated"; PolyPhen-2: "Possibly Damaging"; Align-GVGD: "Class C0"). In summary, the available evidence is currently insufficient to determine the role of this variant in disease. Therefore, it has been classified as a Variant of Uncertain Significance.

Illumina Laboratory Services, Illumina
Classification: Benign for Cataract 5 multiple types. Last evaluated: 2018-01-13. Review status: criteria provided, single submitter. Criteria: ICSL Variant Classification Criteria 13 December 2019. Collection method: clinical testing. Allele origin: germline.
Comment: This variant was observed in the ICSL laboratory as part of a predisposition screen in an ostensibly healthy population. It had not been previously curated by ICSL or reported in the Human Gene Mutation Database (HGMD: prior to June 1st, 2018), and was therefore a candidate for classification through an automated scoring system. Utilizing variant allele frequency, disease prevalence and penetrance estimates, and inheritance mode, an automated score was calculated to assess if this variant is too frequent to cause the disease. Based on the score and internal cut-off values, a variant classified as benign is not then subjected to further curation. The score for this variant resulted in a classification of benign for this disease.